The following is an entry in ClinVar:

ClinVar aggregate classification (germline): Likely benign (0 of 4 stars; one submission).

Conditions:
CREBBP-related disorder. Also called: CREBBP-related condition; CREBBP-related disorders.

gnomAD v4.1: 1 of 1,614,262 alleles (0.000062%); highest among the groups gnomAD compares: Non-Finnish European, 0.000085%; no homozygotes.

Submission:

PreventionGenetics, part of Exact Sciences
Classification: Likely benign for CREBBP-related condition. Last evaluated: 2021-10-01. Review status: no assertion criteria provided. Collection method: clinical testing. Allele origin: germline.
Comment: This variant is classified as likely benign based on ACMG/AMP sequence variant interpretation guidelines (Richards et al. 2015 PMID: 25741868, with internal and published modifications).

NM_004380.3(CREBBP):c.513T>C (p.Thr171=)

Gene: CREBBP (CREB binding lysine acetyltransferase; minus strand). Cytogenetic location: 16p13.3.
Variant type: single nucleotide variant.
Coding change: c.513T>C on transcript NM_004380.3 (MANE Select); coding-DNA position 513, T replaced by C.
Protein change: p.Thr171=; no amino-acid change (threonine 171 retained).
Molecular consequence: synonymous variant.
Genome position (GRCh38, 1-based): chr16:3,850,582, A>G on the plus strand (T>C on the coding strand, the complement: CREBBP is on the minus strand). VCF-style: chr16-3850582-A-G. GRCh37 (hg19) VCF-style: chr16-3900583-A-G.
Other names: c.513T>C, p.Thr171= (NM_001079846.1).
Identifiers: ClinVar variation 3355803 (VCV003355803.1).
Genomic context (GRCh38, chr16:3,850,582, plus strand): 5'-ACTATTGAGGAGGCCTGGGTGGGTCTGGTTAAAGTTAGCATTCATGCAGATACCAGGTCC[A>G]GTCTGTGACGTGGCAGGGCTGCTAGTCGCCAGCCCCACTTGCTTTTGTGCTTGCGGATTC-3'
Protein context (NP_004371.2, residues 161-181): LATSSPATSQ[Thr171=]GPGICMNANF